The following is an entry in ClinVar:

ClinVar aggregate classification (germline): Uncertain significance (1 of 4 stars; one submission).

Conditions:
Hereditary cancer-predisposing syndrome. Also called: Neoplastic Syndromes, Hereditary; Tumor predisposition; Hereditary Cancer Syndrome; Hereditary neoplastic syndrome. Identifiers: Orphanet 140162, MedGen C0027672, MeSH D009386, MONDO:0015356.

Allele frequency attached by ClinVar (database versions not stated): gnomAD exomes below 0.00001.

Submission:

Ambry Genetics
Classification: Uncertain significance for Hereditary cancer-predisposing syndrome. Last evaluated: 2024-02-16. Review status: criteria provided, single submitter. Criteria: Ambry Variant Classification Scheme 2023. Collection method: clinical testing. Allele origin: germline.
Comment: The p.M1657K variant (also known as c.4970T>A), located in coding exon 32 of the ATM gene, results from a T to A substitution at nucleotide position 4970. The methionine at codon 1657 is replaced by lysine, an amino acid with similar properties. This amino acid position is well conserved in available vertebrate species. In addition, this alteration is predicted to be tolerated by in silico analysis. Since supporting evidence is limited at this time, the clinical significance of this alteration remains unclear.

NM_000051.4(ATM):c.4970T>A (p.Met1657Lys)

Gene: ATM (ATM serine/threonine kinase; plus strand). Cytogenetic location: 11q22.3.
Variant type: single nucleotide variant.
Coding change: c.4970T>A on transcript NM_000051.4 (MANE Select); coding-DNA position 4970, T replaced by A.
Protein change: p.Met1657Lys; replaces methionine 1657 with lysine.
Molecular consequence: missense variant.
Genome position (GRCh38, 1-based): chr11:108,297,347, T>A. VCF-style: chr11-108297347-T-A. GRCh37 (hg19) VCF-style: chr11-108168074-T-A.
Other names: c.4970T>A, p.Met1657Lys (NM_001351834.2); short protein forms M1657K.
Identifiers: ClinVar variation 482621 (VCV000482621.5), dbSNP rs1555103260, ClinGen allele CA382538391.